The following is an entry in ClinVar:

ClinVar aggregate classification (germline): Uncertain significance (1 of 4 stars; one submission).

Conditions:
Ataxia-telangiectasia syndrome (AT). Also called: Ataxia telangiectasia (A-T); LOUIS-BAR SYNDROME; Cerebello-oculocutaneous telangiectasia; Immunodeficiency with ataxia telangiectasia; AT, COMPLEMENTATION GROUP C; Ataxia-telangiectasia, complementation group D. Identifiers: Orphanet 100, MedGen C0004135, MONDO:0008840, OMIM 208900.

Submission:

Labcorp Genetics (formerly Invitae), Labcorp
Classification: Uncertain significance for Ataxia-telangiectasia syndrome. Last evaluated: 2021-07-08. Review status: criteria provided, single submitter. Criteria: Invitae Variant Classification Sherloc (09022015). Collection method: clinical testing. Allele origin: germline.
Comment: This sequence change replaces serine with phenylalanine at codon 1684 of the ATM protein (p.Ser1684Phe). The serine residue is highly conserved and there is a large physicochemical difference between serine and phenylalanine. This variant is not present in population databases (ExAC no frequency). This variant has not been reported in the literature in individuals affected with ATM-related conditions. Advanced modeling of protein sequence and biophysical properties (such as structural, functional, and spatial information, amino acid conservation, physicochemical variation, residue mobility, and thermodynamic stability) performed at Invitae indicates that this missense variant is not expected to disrupt ATM protein function. In summary, the available evidence is currently insufficient to determine the role of this variant in disease. Therefore, it has been classified as a Variant of Uncertain Significance.

NM_000051.4(ATM):c.5051C>T (p.Ser1684Phe)

Gene: ATM (ATM serine/threonine kinase; plus strand). Cytogenetic location: 11q22.3.
Variant type: single nucleotide variant.
Coding change: c.5051C>T on transcript NM_000051.4 (MANE Select); coding-DNA position 5051, C replaced by T.
Protein change: p.Ser1684Phe; replaces serine 1684 with phenylalanine.
Molecular consequence: missense variant.
Genome position (GRCh38, 1-based): chr11:108,299,759, C>T. VCF-style: chr11-108299759-C-T. GRCh37 (hg19) VCF-style: chr11-108170486-C-T.
Other names: c.5051C>T, p.Ser1684Phe (NM_001351834.2); short protein forms S1684F.
Identifiers: ClinVar variation 1426374 (VCV001426374.8), dbSNP rs1565473651, ClinGen allele CA382540462.